The following is an entry in ClinVar:

NM_138801.3(GALM):c.568A>T (p.Asn190Tyr)

Gene: GALM (galactose mutarotase; plus strand). Cytogenetic location: 2p22.1.
Variant type: single nucleotide variant.
Coding change: c.568A>T on transcript NM_138801.3 (MANE Select); coding-DNA position 568, A replaced by T.
Protein change: p.Asn190Tyr; replaces asparagine 190 with tyrosine.
Molecular consequence: missense variant.
Genome position (GRCh38, 1-based): chr2:38,689,828, A>T. VCF-style: chr2-38689828-A-T. GRCh37 (hg19) VCF-style: chr2-38916970-A-T.
Other names: short protein forms N190Y.
Identifiers: ClinVar variation 1222775 (VCV001222775.16), dbSNP rs6741892, ClinGen allele CA1621585.

ClinVar aggregate classification (germline): Benign. Review status: criteria provided, multiple submitters, no conflicts (2 of 4 stars). 6 submissions from 6 submitters: Benign (5). 1 of the submissions does not count toward it. Last evaluated 2026-02-03.

Conditions:
GALM-related disorder. Also called: GALM-related condition.
Galactosemia 4. Also called: GALACTOSE MUTAROTASE DEFICIENCY; GALACTOSEMIA IV. Identifiers: Orphanet 570422, MedGen C5394377, MONDO:0030105, OMIM 618881.

Allele frequency attached by ClinVar (database versions not stated): gnomAD exomes 0.09370 and 0.12348; ExAC 0.12774; gnomAD 0.13096 and 0.13405; ESP Exome Variant Server 0.13148; TOPMed 0.13998; 1000 Genomes Project 0.18351; 1000 Genomes Project 30x 0.18504.
gnomAD v4.1: 157,205 of 1,601,982 alleles (9.8%); highest among the groups gnomAD compares: African/African-American, 24%; 9,958 homozygotes.

Submissions (6):

Labcorp Genetics (formerly Invitae), Labcorp
Classification: Benign. Last evaluated: 2026-02-03. Review status: criteria provided, single submitter. Criteria: Invitae Variant Classification Sherloc (09022015). Collection method: clinical testing. Allele origin: germline.

Blueprint Genetics
Classification: Benign. Last evaluated: 2024-11-26. Review status: criteria provided, single submitter. Criteria: ACMG Guidelines, 2015. Collection method: clinical testing. Allele origin: germline.

Genome-Nilou Lab
Classification: Benign for Galactosemia 4. Last evaluated: 2021-08-10. Review status: criteria provided, single submitter. Criteria: ACMG Guidelines, 2015. Collection method: clinical testing. Allele origin: germline. Affected: no.

GeneDx
Classification: Benign. Last evaluated: 2021-05-04. Review status: criteria provided, single submitter. Criteria: GeneDx Variant Classification Process June 2021. Collection method: clinical testing. Allele origin: germline. Affected: yes.

Breakthrough Genomics
Classification: Benign. Review status: criteria provided, single submitter. Criteria: ACMG Guidelines, 2015. Collection method: not provided. Allele origin: germline. Inheritance: Autosomal recessive inheritance. Affected: yes.

PreventionGenetics, part of Exact Sciences
Classification: Benign for GALM-related condition. Last evaluated: 2020-11-18. Review status: no assertion criteria provided. Collection method: clinical testing. Allele origin: germline. Not counted in ClinVar's aggregate classification.
Comment: This variant is classified as benign based on ACMG/AMP sequence variant interpretation guidelines (Richards et al. 2015 PMID: 25741868, with internal and published modifications).